The following is an entry in ClinVar:

ClinVar aggregate classification (germline): Uncertain significance (1 of 4 stars; one submission).

Conditions:
Dilated cardiomyopathy 1HH (CMD1HH). Identifiers: Orphanet 154, MedGen C3151293, MONDO:0013479, OMIM 613881.
Myofibrillar myopathy 6. Identifiers: Orphanet 199340, MedGen C2751831, MONDO:0013061, OMIM 612954.

Submission:

Labcorp Genetics (formerly Invitae), Labcorp
Classification: Uncertain significance for Dilated cardiomyopathy 1HH; Myofibrillar myopathy 6. Last evaluated: 2025-12-14. Review status: criteria provided, single submitter. Criteria: Invitae Variant Classification Sherloc (09022015). Collection method: clinical testing. Allele origin: germline.
Comment: This sequence change replaces arginine, which is basic and polar, with serine, which is neutral and polar, at codon 480 of the BAG3 protein (p.Arg480Ser). This variant is not present in population databases (gnomAD no frequency). This missense change has been observed in individual(s) with dilated cardiomyopathy (internal data). Invitae Evidence Modeling of protein sequence and biophysical properties (such as structural, functional, and spatial information, amino acid conservation, physicochemical variation, residue mobility, and thermodynamic stability) indicates that this missense variant is expected to disrupt BAG3 protein function with a positive predictive value of 80%. In summary, the available evidence is currently insufficient to determine the role of this variant in disease. Therefore, it has been classified as a Variant of Uncertain Significance.

NM_004281.4(BAG3):c.1440G>T (p.Arg480Ser)

Gene: BAG3 (BAG cochaperone 3; plus strand). Cytogenetic location: 10q26.11.
Variant type: single nucleotide variant.
Coding change: c.1440G>T on transcript NM_004281.4 (MANE Select); coding-DNA position 1440, G replaced by T.
Protein change: p.Arg480Ser; replaces arginine 480 with serine.
Molecular consequence: missense variant.
Genome position (GRCh38, 1-based): chr10:119,676,994, G>T. VCF-style: chr10-119676994-G-T. GRCh37 (hg19) VCF-style: chr10-121436506-G-T.
Other names: short protein forms R480S.
Identifiers: ClinVar variation 4782790 (VCV004782790.1).